The following is an entry in ClinVar:

NM_004329.3(BMPR1A):c.749T>C (p.Met250Thr)

Gene: BMPR1A (bone morphogenetic protein receptor type 1A; plus strand). Cytogenetic location: 10q23.2.
Variant type: single nucleotide variant.
Coding change: c.749T>C on transcript NM_004329.3 (MANE Select); coding-DNA position 749, T replaced by C.
Protein change: p.Met250Thr; replaces methionine 250 with threonine.
Molecular consequence: missense variant.
Genome position (GRCh38, 1-based): chr10:86,917,207, T>C. VCF-style: chr10-86917207-T-C. GRCh37 (hg19) VCF-style: chr10-88676964-T-C.
Other names: short protein forms M250T.
Identifiers: ClinVar variation 136054 (VCV000136054.34), dbSNP rs587780783, ClinGen allele CA190609.

ClinVar aggregate classification (germline): Conflicting classifications of pathogenicity. Review status: criteria provided, conflicting classifications (1 of 4 stars). 9 submissions from 9 submitters: Uncertain significance (4); Benign (1); Likely benign (4). Last evaluated 2026-02-14.

Conditions:
Juvenile polyposis syndrome (JPS). Identifiers: Orphanet 2929, MedGen C0345893, MONDO:0017380, OMIM 174900.
Polyposis syndrome, hereditary mixed, 2. Identifiers: Orphanet 157794, MedGen C1864730, MONDO:0012405, OMIM 610069.
BMPR1A-related disorder. Also called: BMPR1A-related condition.
Hereditary cancer-predisposing syndrome. Also called: Neoplastic Syndromes, Hereditary; Tumor predisposition; Hereditary Cancer Syndrome; Hereditary neoplastic syndrome. Identifiers: Orphanet 140162, MedGen C0027672, MeSH D009386, MONDO:0015356.

Allele frequency attached by ClinVar (database versions not stated): gnomAD 0.00001; gnomAD exomes 0.00001 and 0.00004; ExAC 0.00002; TOPMed 0.00003.
gnomAD v4.1: 17 of 1,613,986 alleles (0.0011%); highest among the groups gnomAD compares: Admixed American, 0.018%; no homozygotes.

Submissions (9):

PreventionGenetics, part of Exact Sciences
Classification: Likely benign for BMPR1A-related condition. Last evaluated: 2026-02-14. Review status: criteria provided, single submitter. Criteria: ACMG Guidelines, 2015. Collection method: clinical testing. Allele origin: germline.
Comment: This variant is classified as likely benign based on ACMG/AMP sequence variant interpretation guidelines (Richards et al. 2015 PMID: 25741868, with internal and published modifications).

Labcorp Genetics (formerly Invitae), Labcorp
Classification: Likely benign for Juvenile polyposis syndrome. Last evaluated: 2026-01-28. Review status: criteria provided, single submitter. Criteria: Invitae Variant Classification Sherloc (09022015). Collection method: clinical testing. Allele origin: germline.

Quest Diagnostics Nichols Institute San Juan Capistrano
Classification: Uncertain significance. Last evaluated: 2025-07-11. Review status: criteria provided, single submitter. Criteria: Quest Diagnostics criteria. Collection method: clinical testing. Allele origin: unknown.
Comment: The BMPR1A c.749T>C (p.Met250Thr) variant has been reported in the published literature in an individual with a Lynch syndrome associated cancer and/or polyps (PMID: 25980754 (2015)). The frequency of this variant in the general population (Genome Aggregation Database) is higher than would generally be expected for pathogenic variants in this gene. Analysis of this variant using bioinformatics tools for the prediction of the effect of amino acid changes on protein structure and function yielded conflicting predictions that this variant is benign or damaging. Based on the available information, we are unable to determine the clinical significance of this variant.

Color Diagnostics, LLC DBA Color Health
Classification: Uncertain significance for Hereditary cancer-predisposing syndrome. Last evaluated: 2024-11-26. Review status: criteria provided, single submitter. Criteria: ACMG Guidelines, 2015. Collection method: clinical testing. Allele origin: germline.
Comment: This missense variant replaces methionine with threonine at codon 250 of the BMPR1A protein. Computational prediction tools and conservation analyses are inconclusive regarding the impact of this variant on protein structure and function. This variant has been reported in an individual affected with Lynch syndrome-associated cancer and/or colorectal polyps (PMID: 25980754). This variant has been identified in 9/251380 chromosomes in the general population by the Genome Aggregation Database (gnomAD). The available evidence is insufficient to determine the role of this variant in disease conclusively. Therefore, this variant is classified as a Variant of Uncertain Significance.

All of Us Research Program, National Institutes of Health
Classification: Uncertain significance for Juvenile polyposis syndrome. Last evaluated: 2024-08-06. Review status: criteria provided, single submitter. Criteria: ACMG Guidelines, 2015. Collection method: clinical testing. Allele origin: germline. Inheritance: Autosomal dominant inheritance. Observed: 8 variant alleles, 8 heterozygotes.
Comment: This missense variant replaces methionine with threonine at codon 250 of the BMPR1A protein. Computational prediction tools and conservation analyses are inconclusive regarding the impact of this variant on protein structure and function. This variant has been reported in an individual affected with Lynch syndrome-associated cancer and/or colorectal polyps (PMID: 25980754). This variant has been identified in 9/251380 chromosomes in the general population by the Genome Aggregation Database (gnomAD). The available evidence is insufficient to determine the role of this variant in disease conclusively. Therefore, this variant is classified as a Variant of Uncertain Significance.

This study involves interpretation of variants in research participants for the purpose of population health screening. Participant phenotype was not available at the time of variant classification. Additional details can be found in publication PMID: 35346344, PMCID: PMC8962531

Women's Health and Genetics/Laboratory Corporation of America, LabCorp
Classification: Likely benign. Last evaluated: 2023-05-05. Review status: criteria provided, single submitter. Criteria: LabCorp Variant Classification Summary - May 2015. Collection method: clinical testing. Allele origin: germline.
Comment: Variant summary: BMPR1A c.749T>C (p.Met250Thr) results in a non-conservative amino acid change in the encoded protein sequence. Four of five in-silico tools predict a damaging effect of the variant on protein function. The variant allele was found at a frequency of 3.6e-05 in 251380 control chromosomes, predominantly at a frequency of 0.00026 within the Latino subpopulation in the gnomAD database. The observed variant frequency within Latino control individuas in the gnomAD database is approximately 130 fold of the estimated maximal expected allele frequency for a pathogenic variant in BMPR1A, suggesting this is likely a benign polymorphism found primarily in the populations of Latino origin. c.749T>C has been reported in the literature in an individual with Lynch Syndrome (Yurlegun_2015). This report does not provide unequivocal conclusions about association of the variant with Juvenile Polyposis Syndrome. To our knowledge, no experimental evidence demonstrating an impact on protein function has been reported. The following publications have been ascertained in the context of this evaluation (PMID: 25980754). Four clinical diagnostic laboratories have submitted clinical-significance assessments for this variant to ClinVar after 2014 and classified as Likely Benign (n=2) and VUS (n=2). Based on the evidence outlined above, the variant was classified as likely benign.

Ambry Genetics
Classification: Benign for Hereditary cancer-predisposing syndrome. Last evaluated: 2023-04-26. Review status: criteria provided, single submitter. Criteria: Ambry Variant Classification Scheme 2023. Collection method: clinical testing. Allele origin: germline.

GeneDx
Classification: Likely benign. Last evaluated: 2023-04-10. Review status: criteria provided, single submitter. Criteria: GeneDx Variant Classification Process June 2021. Collection method: clinical testing. Allele origin: germline. Affected: yes.
Comment: See Variant Classification Assertion Criteria.

Department of Pathology and Laboratory Medicine, Sinai Health System
Classification: Uncertain significance for Polyposis syndrome, hereditary mixed, 2; Juvenile polyposis syndrome. Last evaluated: 2020-12-11. Review status: criteria provided, single submitter. Criteria: ACMG Guidelines, 2015. Collection method: clinical testing. Allele origin: germline. Affected: yes.

Literature cited by the submitters: PubMed 25980754 (cited by 5 submitters).